The following is an entry in ClinVar:

ClinVar aggregate classification (germline): Uncertain significance. Review status: criteria provided, multiple submitters, no conflicts (2 of 4 stars). 2 submissions from 2 submitters: Uncertain significance (2). Last evaluated 2026-07-07.

Conditions:
Hereditary cancer-predisposing syndrome. Also called: Tumor predisposition; Hereditary neoplastic syndrome; Hereditary Cancer Syndrome; Neoplastic Syndromes, Hereditary. Identifiers: Orphanet 140162, MedGen C0027672, MeSH D009386, MONDO:0015356.
Tuberous sclerosis 1 (TSC1). Identifiers: Orphanet 805, MedGen C1854465, MONDO:0008612, OMIM 191100.

Submissions (2):

Ambry Genetics
Classification: Uncertain significance for Hereditary cancer-predisposing syndrome. Last evaluated: 2026-07-07. Review status: criteria provided, single submitter. Criteria: Ambry Variant Classification Scheme 2023. Collection method: clinical testing. Allele origin: germline.
Comment: The p.T85I variant (also known as c.254C>T), located in coding exon 3 of the TSC1 gene, results from a C to T substitution at nucleotide position 254. The threonine at codon 85 is replaced by isoleucine, an amino acid with similar properties. This amino acid position is conserved. In addition, this alteration is predicted to be tolerated by in silico analysis. Based on the available evidence, the clinical significance of this variant remains unclear.

Labcorp Genetics (formerly Invitae), Labcorp
Classification: Uncertain significance for Tuberous sclerosis 1. Last evaluated: 2024-12-22. Review status: criteria provided, single submitter. Criteria: Invitae Variant Classification Sherloc (09022015). Collection method: clinical testing. Allele origin: germline.
Comment: This sequence change replaces threonine, which is neutral and polar, with isoleucine, which is neutral and non-polar, at codon 85 of the TSC1 protein (p.Thr85Ile). This variant is not present in population databases (gnomAD no frequency). This variant has not been reported in the literature in individuals affected with TSC1-related conditions. Invitae Evidence Modeling of protein sequence and biophysical properties (such as structural, functional, and spatial information, amino acid conservation, physicochemical variation, residue mobility, and thermodynamic stability) indicates that this missense variant is not expected to disrupt TSC1 protein function with a negative predictive value of 95%. In summary, the available evidence is currently insufficient to determine the role of this variant in disease. Therefore, it has been classified as a Variant of Uncertain Significance.

NM_000368.5(TSC1):c.254C>T (p.Thr85Ile)

Gene: TSC1 (TSC complex subunit 1; minus strand). Cytogenetic location: 9q34.13.
Variant type: single nucleotide variant.
Coding change: c.254C>T on transcript NM_000368.5 (MANE Select); coding-DNA position 254, C replaced by T.
Protein change: p.Thr85Ile; replaces threonine 85 with isoleucine.
Molecular consequence: missense variant. On other transcripts: 5 prime UTR variant (18), non-coding transcript variant (5), intron variant (5).
Genome position (GRCh38, 1-based): chr9:132,925,696, G>A on the plus strand (C>T on the coding strand, the complement: TSC1 is on the minus strand). VCF-style: chr9-132925696-G-A. GRCh37 (hg19) VCF-style: chr9-135801083-G-A.
Other names: c.-110C>T (NM_001406617.1, NM_001406618.1, NM_001406619.1 and 5 more transcripts); c.-235C>T (NM_001406623.1, NM_001406615.1); c.-202C>T (NM_001406624.1, NM_001406614.1, NM_001406616.1); c.-624C>T (NM_001406626.1, NM_001406627.1, NM_001406628.1); c.-766C>T (NM_001406629.1); c.-840C>T (NM_001406630.1); c.210+1505C>T (NM_001406613.1, NM_001406612.1, NM_001406610.1 and 2 more transcripts); c.254C>T, p.Thr85Ile (NM_001162426.2, NM_001406592.1, NM_001406593.1 and 16 more transcripts); short protein forms T85I.
Identifiers: ClinVar variation 3720863 (VCV003720863.3).